The following is an entry in ClinVar:

NM_001353921.2(ARHGEF9):c.1030C>T (p.Gln344Ter)

Gene: ARHGEF9 (Cdc42 guanine nucleotide exchange factor 9; minus strand). Cytogenetic location: Xq11.1.
Variant type: single nucleotide variant.
Coding change: c.1030C>T on transcript NM_001353921.2 (MANE Select); coding-DNA position 1030, C replaced by T.
Protein change: p.Gln344Ter; replaces glutamine 344 with a stop codon.
Molecular consequence: nonsense. On other transcripts: intron variant (5).
Genome position (GRCh38, 1-based): chrX:63,665,933, G>A on the plus strand (C>T on the coding strand, the complement: ARHGEF9 is on the minus strand). VCF-style: chrX-63665933-G-A. GRCh37 (hg19) VCF-style: chrX-62885813-G-A.
Other names: c.850C>T, p.Gln284Ter (NM_001173479.2); c.703C>T, p.Gln235Ter (NM_001173480.2, NM_001369042.1); c.946C>T, p.Gln316Ter (NM_001330495.2, NM_001369033.1, NM_001369034.1 and 6 more transcripts); c.1048C>T, p.Gln350Ter (NM_001353923.1); c.829C>T, p.Gln277Ter (NM_001353924.2, NM_001353926.2, NM_001369039.1 and 1 more transcripts); c.1009C>T, p.Gln337Ter (NM_001369030.1, NM_001369031.1, NM_001369032.1 and 1 more transcripts); c.945+8105C>T (NM_001353922.2); c.861+8105C>T (NM_001369041.1, NM_001353927.2); and 2 more; short protein forms Q316*, Q344*, Q350*, Q235*, Q284*, Q277*, Q337*.
Identifiers: ClinVar variation 2020245 (VCV002020245.4), dbSNP rs2519681429, ClinGen allele CA413405582.

ClinVar aggregate classification (germline): Pathogenic (1 of 4 stars; one submission).

Conditions:
Developmental and epileptic encephalopathy, 8 (DEE8). Also called: HYPEREKPLEXIA AND EPILEPSY. Identifiers: Orphanet 163985, Orphanet 2076, MedGen C1845102, MONDO:0010375, OMIM 300607.

Submission:

Labcorp Genetics (formerly Invitae), Labcorp
Classification: Pathogenic for Developmental and epileptic encephalopathy, 8. Last evaluated: 2022-08-08. Review status: criteria provided, single submitter. Criteria: Invitae Variant Classification Sherloc (09022015). Collection method: clinical testing. Allele origin: germline.
Comment: This sequence change creates a premature translational stop signal (p.Gln337*) in the ARHGEF9 gene. It is expected to result in an absent or disrupted protein product. Loss-of-function variants in ARHGEF9 are known to be pathogenic (PMID: 25678704, 26834553, 28589176). This variant is not present in population databases (gnomAD no frequency). This variant has not been reported in the literature in individuals affected with ARHGEF9-related conditions. For these reasons, this variant has been classified as Pathogenic.

Literature cited by the submitters: PubMed 25678704; PubMed 26834553; PubMed 28589176.